The following is an entry in ClinVar:

NM_004082.5(DCTN1):c.7C>G (p.Gln3Glu)

Gene: DCTN1 (dynactin subunit 1; minus strand). Cytogenetic location: 2p13.1.
Variant type: single nucleotide variant.
Coding change: c.7C>G on transcript NM_004082.5 (MANE Select); coding-DNA position 7, C replaced by G.
Protein change: p.Gln3Glu; replaces glutamine 3 with glutamic acid.
Molecular consequence: missense variant. On other transcripts: intron variant (3).
Genome position (GRCh38, 1-based): chr2:74,380,031, G>C on the plus strand (C>G on the coding strand, the complement: DCTN1 is on the minus strand). VCF-style: chr2-74380031-G-C. GRCh37 (hg19) VCF-style: chr2-74607158-G-C.
Other names: c.7C>G, p.Gln3Glu (NM_001135040.3, NM_001190837.2); c.-18-1786C>G (NM_001190836.2, NM_001378992.1, NM_001378991.1); short protein forms Q3E.
Identifiers: ClinVar variation 4793338 (VCV004793338.1).

ClinVar aggregate classification (germline): Uncertain significance (1 of 4 stars; one submission).

Conditions:
Amyotrophic lateral sclerosis type 1 (ALS1). Also called: AMYOTROPHIC LATERAL SCLEROSIS 1, FAMILIAL. Identifiers: Orphanet 803, MedGen C1862939, MONDO:0007103, OMIM 105400.
Neuronopathy, distal hereditary motor, type 7B. Also called: NEURONOPATHY, DISTAL HEREDITARY MOTOR, AUTOSOMAL DOMINANT 14; NEURONOPATHY, DISTAL HEREDITARY MOTOR, HARDING TYPE VIIB; NEUROPATHY, DISTAL HEREDITARY MOTOR, HARDING TYPE VIIB; NEUROPATHY, DISTAL HEREDITARY MOTOR, WITH VOCAL CORD PARALYSIS, HARDING TYPE VIIB; HMN VIIB; LOWER MOTOR NEURON DISEASE, DYNACTIN TYPE. Identifiers: Orphanet 139589, MedGen C1843315, MONDO:0011879, OMIM 607641.
Perry syndrome. Also called: PARKINSONISM WITH ALVEOLAR HYPOVENTILATION AND MENTAL DEPRESSION. Identifiers: Orphanet 178509, MedGen C1868594, MONDO:0008201, OMIM 168605.

Submission:

Labcorp Genetics (formerly Invitae), Labcorp
Classification: Uncertain significance for Amyotrophic lateral sclerosis type 1; Neuronopathy, distal hereditary motor, type 7B; Perry syndrome. Last evaluated: 2025-04-23. Review status: criteria provided, single submitter. Criteria: Invitae Variant Classification Sherloc (09022015). Collection method: clinical testing. Allele origin: germline.
Comment: This sequence change replaces glutamine, which is neutral and polar, with glutamic acid, which is acidic and polar, at codon 3 of the DCTN1 protein (p.Gln3Glu). This variant is not present in population databases (gnomAD no frequency). This variant has not been reported in the literature in individuals affected with DCTN1-related conditions. Invitae Evidence Modeling of protein sequence and biophysical properties (such as structural, functional, and spatial information, amino acid conservation, physicochemical variation, residue mobility, and thermodynamic stability) indicates that this missense variant is not expected to disrupt DCTN1 protein function with a negative predictive value of 95%. In summary, the available evidence is currently insufficient to determine the role of this variant in disease. Therefore, it has been classified as a Variant of Uncertain Significance.